The following is an entry in ClinVar:

ClinVar aggregate classification (germline): Uncertain significance (1 of 4 stars; one submission).

Conditions:
Autosomal recessive limb-girdle muscular dystrophy type 2O. Also called: Limb-Girdle Muscular Dystrophy Type 3C; MUSCULAR DYSTROPHY-DYSTROGLYCANOPATHY (LIMB-GIRDLE), TYPE C, 3; MUSCULAR DYSTROPHY-DYSTROGLYCANOPATHY, LIMB-GIRDLE, POMGNT1-RELATED. Identifiers: Orphanet 206564, MedGen C3150417, MONDO:0013161, OMIM 613157.
Muscular dystrophy-dystroglycanopathy (congenital with impaired intellectual development), type B, 3. Also called: MUSCULAR DYSTROPHY, CONGENITAL, POMGNT1-RELATED; Muscular dystrophy-dystroglycanopathy (congenital with intellectual disability), type B3. Identifiers: MedGen C3150412, MONDO:0013155, OMIM 613151.

Submission:

Labcorp Genetics (formerly Invitae), Labcorp
Classification: Uncertain significance for Autosomal recessive limb-girdle muscular dystrophy type 2O; Muscular dystrophy-dystroglycanopathy (congenital with impaired intellectual development), type B, 3. Last evaluated: 2021-04-22. Review status: criteria provided, single submitter. Criteria: Invitae Variant Classification Sherloc (09022015). Collection method: clinical testing. Allele origin: germline.
Comment: Advanced modeling of protein sequence and biophysical properties (such as structural, functional, and spatial information, amino acid conservation, physicochemical variation, residue mobility, and thermodynamic stability) performed at Invitae indicates that this missense variant is not expected to disrupt POMGNT1 protein function. This sequence change replaces leucine with glutamine at codon 35 of the POMGNT1 protein (p.Leu35Gln). The leucine residue is moderately conserved and there is a moderate physicochemical difference between leucine and glutamine. This variant is not present in population databases (ExAC no frequency). This variant has not been reported in the literature in individuals with POMGNT1-related conditions. In summary, the available evidence is currently insufficient to determine the role of this variant in disease. Therefore, it has been classified as a Variant of Uncertain Significance.

NM_017739.4(POMGNT1):c.104T>A (p.Leu35Gln)

Gene: POMGNT1 (protein O-linked mannose N-acetylglucosaminyltransferase 1 (beta 1,2-); minus strand). Cytogenetic location: 1p34.1.
Variant type: single nucleotide variant.
Coding change: c.104T>A on transcript NM_017739.4 (MANE Select); coding-DNA position 104, T replaced by A.
Protein change: p.Leu35Gln; replaces leucine 35 with glutamine.
Molecular consequence: missense variant.
Genome position (GRCh38, 1-based): chr1:46,197,718, A>T on the plus strand (T>A on the coding strand, the complement: POMGNT1 is on the minus strand). VCF-style: chr1-46197718-A-T. GRCh37 (hg19) VCF-style: chr1-46663390-A-T.
Other names: c.104T>A, p.Leu35Gln (NM_001243766.2); short protein forms L35Q.
Identifiers: ClinVar variation 1419504 (VCV001419504.8), dbSNP rs2148222413, ClinGen allele CA340192639.
Genomic context (GRCh38, chr1:46,197,718, plus strand): 5'-TGGGAGGGAGCGCTCGGTGGGGAGGGTTTGGGACATCTCTATACCTGACAGAATCTCCGC[A>T]GGGCCCGCTGGTTTGTCAGTTTATACTTCCAGGTAAGGTACCAGCTCCGCTTCTTCCGAG-3'
Protein context (NP_060209.4, residues 25-45): WKYKLTNQRA[Leu35Gln]RRFCQTGAVL